The following is an entry in ClinVar:

NM_000182.5(HADHA):c.717C>A (p.Tyr239Ter)

Gene: HADHA (hydroxyacyl-CoA dehydrogenase trifunctional multienzyme complex subunit alpha; minus strand). Cytogenetic location: 2p23.3.
Variant type: single nucleotide variant.
Coding change: c.717C>A on transcript NM_000182.5 (MANE Select); coding-DNA position 717, C replaced by A.
Protein change: p.Tyr239Ter; replaces tyrosine 239 with a stop codon.
Molecular consequence: nonsense.
Genome position (GRCh38, 1-based): chr2:26,215,135, G>T on the plus strand (C>A on the coding strand, the complement: HADHA is on the minus strand). VCF-style: chr2-26215135-G-T. GRCh37 (hg19) VCF-style: chr2-26438004-G-T.
Other names: short protein forms Y239*.
Identifiers: ClinVar variation 1725709 (VCV001725709.3), dbSNP rs1016253580, ClinGen allele CA346091620.

ClinVar aggregate classification (germline): Likely pathogenic (1 of 4 stars; one submission).

Conditions:
Long chain 3-hydroxyacyl-CoA dehydrogenase deficiency. Also called: LCHAD Deficiency; Deficiency of long-chain 3-hydroxyacyl-coenzyme A dehydrogenase. Identifiers: Orphanet 5, MedGen C3711645, MONDO:0012173, OMIM 609016.

Submission:

Myriad Genetics, Inc.
Classification: Likely pathogenic for Long chain 3-hydroxyacyl-CoA dehydrogenase deficiency. Last evaluated: 2022-03-31. Review status: criteria provided, single submitter. Criteria: Myriad Autosomal Dominant, Autosomal Recessive and X-Linked Classification Criteria (2023). Collection method: clinical testing. Allele origin: unknown.
Comment: NM_000182.4(HADHA):c.717C>A(Y239*) is expected to be pathogenic in the context of HADHA-related disorders. This variant is predicted to lead to an abnormal or absent protein product due to the creation of a premature termination codon in HADHA, a gene where loss-of-function variants are known to be pathogenic. Please note: this variant was assessed in the context of healthy population screening.